The following is an entry in ClinVar:

NM_020975.6(RET):c.3116C>G (p.Pro1039Arg)

Gene: RET (ret proto-oncogene; plus strand). Cytogenetic location: 10q11.21.
Variant type: single nucleotide variant.
Coding change: c.3116C>G on transcript NM_020975.6 (MANE Select); coding-DNA position 3116, C replaced by G.
Protein change: p.Pro1039Arg; replaces proline 1039 with arginine.
Molecular consequence: missense variant.
Genome position (GRCh38, 1-based): chr10:43,126,651, C>G. VCF-style: chr10-43126651-C-G. GRCh37 (hg19) VCF-style: chr10-43622099-C-G.
Other names: c.2987C>G, p.Pro996Arg (NM_001406764.1, NM_001406761.1, NM_001406762.1); c.2981C>G, p.Pro994Arg (NM_001406765.1, NM_001406763.1); c.2828C>G, p.Pro943Arg (NM_001406766.1, NM_001406767.1, NM_001406770.1); c.2852C>G, p.Pro951Arg (NM_001406768.1); c.2720C>G, p.Pro907Arg (NM_001406769.1, NM_001406772.1); c.2678C>G, p.Pro893Arg (NM_001406771.1, NM_001406773.1); c.2591C>G, p.Pro864Arg (NM_001406774.1); c.2390C>G, p.Pro797Arg (NM_001406775.1, NM_001406776.1, NM_001406777.1 and 1 more transcripts); and 10 more; short protein forms P695R, P556R, P709R, P785R, P943R, P951R, P996R, P1039R.
Identifiers: ClinVar variation 2179095 (VCV002179095.4), dbSNP rs79853121, ClinGen allele CA376558427.

ClinVar aggregate classification (germline): Uncertain significance (1 of 4 stars; one submission).

Conditions:
Multiple endocrine neoplasia, type 2 (MEN2). Identifiers: Orphanet 653, MedGen C4048306, MONDO:0019003. Disease mechanism: gain of function.

Submission:

Labcorp Genetics (formerly Invitae), Labcorp
Classification: Uncertain significance for Multiple endocrine neoplasia, type 2. Last evaluated: 2024-01-18. Review status: criteria provided, single submitter. Criteria: Invitae Variant Classification Sherloc (09022015). Collection method: clinical testing. Allele origin: germline.
Comment: This sequence change replaces proline, which is neutral and non-polar, with arginine, which is basic and polar, at codon 1039 of the RET protein (p.Pro1039Arg). This variant is not present in population databases (gnomAD no frequency). This variant has not been reported in the literature in individuals affected with RET-related conditions. ClinVar contains an entry for this variant (Variation ID: 2179095). An algorithm developed to predict the effect of missense changes on protein structure and function (PolyPhen-2) suggests that this variant is likely to be disruptive. In summary, the available evidence is currently insufficient to determine the role of this variant in disease. Therefore, it has been classified as a Variant of Uncertain Significance.